The following is an entry in ClinVar:

NM_004204.5(PIGQ):c.333C>A (p.His111Gln)

Gene: PIGQ (phosphatidylinositol glycan anchor biosynthesis class Q; plus strand). Cytogenetic location: 16p13.3.
Variant type: single nucleotide variant.
Coding change: c.333C>A on transcript NM_004204.5 (MANE Select); coding-DNA position 333, C replaced by A.
Protein change: p.His111Gln; replaces histidine 111 with glutamine.
Molecular consequence: missense variant.
Genome position (GRCh38, 1-based): chr16:574,407, C>A. VCF-style: chr16-574407-C-A. GRCh37 (hg19) VCF-style: chr16-624407-C-A.
Other names: c.333C>A, p.His111Gln (NM_148920.4); c.333C>A (NM_148920.1); short protein forms H111Q.
Identifiers: ClinVar variation 1352944 (VCV001352944.7), dbSNP rs753882585, ClinGen allele CA7779840.

ClinVar aggregate classification (germline): Uncertain significance. Review status: criteria provided, multiple submitters, no conflicts (2 of 4 stars). 2 submissions from 2 submitters: Uncertain significance (2). Last evaluated 2025-12-01.

Conditions:
Inborn genetic diseases. Identifiers: MedGen C0950123, MeSH D030342.
Epilepsy. Also called: Seizure disorder. Identifiers: MedGen C0014544, MeSH D004827, MONDO:0005027.

Allele frequency attached by ClinVar (database versions not stated): TOPMed below 0.00001; gnomAD 0.00003.

Submissions (2):

Labcorp Genetics (formerly Invitae), Labcorp
Classification: Uncertain significance for Epilepsy. Last evaluated: 2025-12-01. Review status: criteria provided, single submitter. Criteria: Invitae Variant Classification Sherloc (09022015). Collection method: clinical testing. Allele origin: germline.
Comment: This sequence change replaces histidine, which is basic and polar, with glutamine, which is neutral and polar, at codon 111 of the PIGQ protein (p.His111Gln). This variant is present in population databases (rs753882585, gnomAD 0.07%). This variant has not been reported in the literature in individuals affected with PIGQ-related conditions. ClinVar contains an entry for this variant (Variation ID: 1352944). An algorithm developed to predict the effect of missense changes on protein structure and function outputs the following: PolyPhen-2: "Benign". The glutamine amino acid residue is found in multiple mammalian species, which suggests that this missense change does not adversely affect protein function. In summary, the available evidence is currently insufficient to determine the role of this variant in disease. Therefore, it has been classified as a Variant of Uncertain Significance.

Ambry Genetics
Classification: Uncertain significance for Inborn genetic diseases. Last evaluated: 2022-09-06. Review status: criteria provided, single submitter. Criteria: Ambry Variant Classification Scheme 2023. Collection method: clinical testing. Allele origin: germline.